The following is an entry in ClinVar:

ClinVar aggregate classification (germline): Uncertain significance. Review status: criteria provided, multiple submitters, no conflicts (2 of 4 stars). 2 submissions from 2 submitters: Uncertain significance (2). Last evaluated 2022-04-17.

Allele frequency attached by ClinVar (database versions not stated): TOPMed 0.00002.
gnomAD v4.1: 1 of 1,611,730 alleles (0.000062%); highest among the groups gnomAD compares: Non-Finnish European, 0.000085%; no homozygotes.

Submissions (2):

Women's Health and Genetics/Laboratory Corporation of America, LabCorp
Classification: Uncertain significance. Last evaluated: 2022-04-17. Review status: criteria provided, single submitter. Criteria: LabCorp Variant Classification Summary - May 2015. Collection method: clinical testing. Allele origin: germline.
Comment: Variant summary: SPTBN2 c.5377C>G (p.Arg1793Gly) results in a non-conservative amino acid change in the encoded protein sequence. Five of five in-silico tools predict a damaging effect of the variant on protein function. The variant was absent in 248388 control chromosomes. The available data on variant occurrences in the general population are insufficient to allow any conclusion about variant significance. To our knowledge, no occurrence of c.5377C>G in individuals affected with Spinocerebellar Ataxia 5/Spinocerebellar Ataxia 5, autosomal recessive 14 and no experimental evidence demonstrating its impact on protein function have been reported. No clinical diagnostic laboratories have submitted clinical-significance assessments for this variant to ClinVar after 2014. Based on the evidence outlined above, the variant was classified as uncertain significance.

Breakthrough Genomics
Classification: Uncertain significance. Review status: criteria provided, single submitter. Criteria: ACMG Guidelines, 2015. Collection method: not provided. Allele origin: germline. Inheritance: Autosomal recessive inheritance. Affected: yes.

NM_006946.4(SPTBN2):c.5377C>G (p.Arg1793Gly)

Gene: SPTBN2 (spectrin beta, non-erythrocytic 2; minus strand). Cytogenetic location: 11q13.2.
Variant type: single nucleotide variant.
Coding change: c.5377C>G on transcript NM_006946.4 (MANE Select); coding-DNA position 5377, C replaced by G.
Protein change: p.Arg1793Gly; replaces arginine 1793 with glycine.
Molecular consequence: missense variant.
Genome position (GRCh38, 1-based): chr11:66,691,472, G>C on the plus strand (C>G on the coding strand, the complement: SPTBN2 is on the minus strand). VCF-style: chr11-66691472-G-C. GRCh37 (hg19) VCF-style: chr11-66458943-G-C.
Other names: short protein forms R1793G.
Identifiers: ClinVar variation 1683329 (VCV001683329.2), dbSNP rs1314673381, ClinGen allele CA381465353.